The following is an entry in ClinVar:

ClinVar aggregate classification (germline): Uncertain significance (1 of 4 stars; one submission).

gnomAD v4.1: 1 of 1,613,894 alleles (0.000062%); highest among the groups gnomAD compares: Non-Finnish European, 0.000085%; no homozygotes.

Submission:

Labcorp Genetics (formerly Invitae), Labcorp
Classification: Uncertain significance. Last evaluated: 2025-09-20. Review status: criteria provided, single submitter. Criteria: Invitae Variant Classification Sherloc (09022015). Collection method: clinical testing. Allele origin: germline.
Comment: This sequence change replaces phenylalanine, which is neutral and non-polar, with leucine, which is neutral and non-polar, at codon 1698 of the FREM2 protein (p.Phe1698Leu). This variant is not present in population databases (gnomAD no frequency). This variant has not been reported in the literature in individuals affected with FREM2-related conditions. Invitae Evidence Modeling of protein sequence and biophysical properties (such as structural, functional, and spatial information, amino acid conservation, physicochemical variation, residue mobility, and thermodynamic stability) indicates that this missense variant is expected to disrupt FREM2 protein function with a positive predictive value of 80%. In summary, the available evidence is currently insufficient to determine the role of this variant in disease. Therefore, it has been classified as a Variant of Uncertain Significance.

NM_207361.6(FREM2):c.5092T>C (p.Phe1698Leu)

Gene: FREM2 (FRAS1 related extracellular matrix 2; plus strand). Cytogenetic location: 13q13.3.
Variant type: single nucleotide variant.
Coding change: c.5092T>C on transcript NM_207361.6 (MANE Select); coding-DNA position 5092, T replaced by C.
Protein change: p.Phe1698Leu; replaces phenylalanine 1698 with leucine.
Molecular consequence: missense variant.
Genome position (GRCh38, 1-based): chr13:38,692,436, T>C. VCF-style: chr13-38692436-T-C. GRCh37 (hg19) VCF-style: chr13-39266573-T-C.
Other names: short protein forms F1698L.
Identifiers: ClinVar variation 4811725 (VCV004811725.1).